The following is an entry in ClinVar:

ClinVar aggregate classification (germline): Uncertain significance (1 of 4 stars; one submission).

Conditions:
Hereditary cancer-predisposing syndrome. Also called: Tumor predisposition; Hereditary neoplastic syndrome; Hereditary Cancer Syndrome; Neoplastic Syndromes, Hereditary. Identifiers: Orphanet 140162, MedGen C0027672, MeSH D009386, MONDO:0015356.

gnomAD v4.1: 2 of 1,613,106 alleles (0.00012%); highest among the groups gnomAD compares: Non-Finnish European, 0.00017%; no homozygotes.

Submission:

Ambry Genetics
Classification: Uncertain significance for Hereditary cancer-predisposing syndrome. Last evaluated: 2025-12-10. Review status: criteria provided, single submitter. Criteria: Ambry Variant Classification Scheme 2023. Collection method: clinical testing. Allele origin: germline.
Comment: The p.E223K variant (also known as c.667G>A), located in coding exon 7 of the EPCAM gene, results from a G to A substitution at nucleotide position 667. The glutamic acid at codon 223 is replaced by lysine, an amino acid with similar properties. This amino acid position is conserved. In addition, the in silico prediction for this alteration is inconclusive. Since supporting evidence is limited at this time, the clinical significance of this alteration remains unclear.

NM_002354.3(EPCAM):c.667G>A (p.Glu223Lys)

Gene: EPCAM (epithelial cell adhesion molecule; plus strand). Cytogenetic location: 2p21.
Variant type: single nucleotide variant.
Coding change: c.667G>A on transcript NM_002354.3 (MANE Select); coding-DNA position 667, G replaced by A.
Protein change: p.Glu223Lys; replaces glutamic acid 223 with lysine.
Molecular consequence: missense variant.
Genome position (GRCh38, 1-based): chr2:47,379,778, G>A. VCF-style: chr2-47379778-G-A. GRCh37 (hg19) VCF-style: chr2-47606917-G-A.
Other names: short protein forms E223K.
Identifiers: ClinVar variation 3222129 (VCV003222129.2), dbSNP rs372674836, ClinGen allele CA346724338.